The following is an entry in ClinVar:

ClinVar aggregate classification (germline): Uncertain significance. Review status: criteria provided, multiple submitters, no conflicts (2 of 4 stars). 3 submissions from 3 submitters: Uncertain significance (3). Last evaluated 2022-11-15.

Conditions:
Hereditary cancer-predisposing syndrome. Also called: Hereditary neoplastic syndrome; Neoplastic Syndromes, Hereditary; Tumor predisposition; Hereditary Cancer Syndrome. Identifiers: Orphanet 140162, MedGen C0027672, MeSH D009386, MONDO:0015356.
Ataxia-telangiectasia syndrome (AT). Also called: Ataxia telangiectasia (A-T); LOUIS-BAR SYNDROME; Cerebello-oculocutaneous telangiectasia; Immunodeficiency with ataxia telangiectasia; Ataxia-telangiectasia, complementation group D; AT, COMPLEMENTATION GROUP C. Identifiers: Orphanet 100, MedGen C0004135, MONDO:0008840, OMIM 208900.

Allele frequency attached by ClinVar (database versions not stated): TOPMed 0.00001.

Submissions (3):

Labcorp Genetics (formerly Invitae), Labcorp
Classification: Uncertain significance for Ataxia-telangiectasia syndrome. Last evaluated: 2022-11-15. Review status: criteria provided, single submitter. Criteria: Invitae Variant Classification Sherloc (09022015). Collection method: clinical testing. Allele origin: germline.
Comment: In summary, the available evidence is currently insufficient to determine the role of this variant in disease. Therefore, it has been classified as a Variant of Uncertain Significance. This sequence change replaces phenylalanine, which is neutral and non-polar, with leucine, which is neutral and non-polar, at codon 1869 of the ATM protein (p.Phe1869Leu). This variant is not present in population databases (gnomAD no frequency). This variant has not been reported in the literature in individuals affected with ATM-related conditions. ClinVar contains an entry for this variant (Variation ID: 407607). Algorithms developed to predict the effect of missense changes on protein structure and function (SIFT, PolyPhen-2, Align-GVGD) all suggest that this variant is likely to be tolerated.

Mendelics
Classification: Uncertain significance. Last evaluated: 2022-05-04. Review status: criteria provided, single submitter. Criteria: Mendelics Assertion Criteria 2019. Collection method: clinical testing. Allele origin: germline.

Ambry Genetics
Classification: Uncertain significance for Hereditary cancer-predisposing syndrome. Last evaluated: 2016-09-21. Review status: criteria provided, single submitter. Criteria: Ambry Variant Classification Scheme 2023. Collection method: clinical testing. Allele origin: germline.
Comment: The p.F1869L variant (also known as c.5605T>C), located in coding exon 36 of the ATM gene, results from a T to C substitution at nucleotide position 5605. The phenylalanine at codon 1869 is replaced by leucine, an amino acid with highly similar properties. This variant was not reported in population based cohorts in the following databases: Database of Single Nucleotide Polymorphisms (dbSNP), NHLBI Exome Sequencing Project (ESP), and 1000 Genomes Project. In the ESP, this variant was not observed in 6499 samples (12998 alleles) with coverage at this position. To date, this alteration has been detected with an allele frequency of approximately 0.001% (greater than 180000 alleles tested) in our clinical cohort. This amino acid position is highly conserved in available vertebrate species. In addition, the in silico prediction for this alteration is inconclusive. Since supporting evidence is limited at this time, the clinical significance of this alteration remains unclear.

NM_000051.4(ATM):c.5605T>C (p.Phe1869Leu)

Gene: ATM (ATM serine/threonine kinase; plus strand). Cytogenetic location: 11q22.3.
Variant type: single nucleotide variant.
Coding change: c.5605T>C on transcript NM_000051.4 (MANE Select); coding-DNA position 5605, T replaced by C.
Protein change: p.Phe1869Leu; replaces phenylalanine 1869 with leucine.
Molecular consequence: missense variant.
Genome position (GRCh38, 1-based): chr11:108,304,783, T>C. VCF-style: chr11-108304783-T-C. GRCh37 (hg19) VCF-style: chr11-108175510-T-C.
Other names: c.5605T>C, p.Phe1869Leu (NM_001351834.2); short protein forms F1869L.
Identifiers: ClinVar variation 407607 (VCV000407607.14), dbSNP rs975721205, ClinGen allele CA16613067.